The following is an entry in ClinVar:

NM_000557.5(GDF5):c.891G>A (p.Trp297Ter)

Genes: GDF5 (growth differentiation factor 5; minus strand), GDF5-AS1 (GDF5 antisense RNA 1; plus strand). Cytogenetic location: 20q11.22.
Variant type: single nucleotide variant.
Coding change: c.891G>A on transcript NM_000557.5 (MANE Select); coding-DNA position 891, G replaced by A.
Protein change: p.Trp297Ter; replaces tryptophan 297 with a stop codon.
Molecular consequence: nonsense. On other transcripts: non-coding transcript variant (1).
Genome position (GRCh38, 1-based): chr20:35,434,524, C>T on the plus strand (G>A on the coding strand, the complement: GDF5 is on the minus strand). VCF-style: chr20-35434524-C-T. GRCh37 (hg19) VCF-style: chr20-34022322-C-T.
Other names: c.891G>A, p.Trp297Ter (NM_001319138.2); short protein forms W297*.
Identifiers: ClinVar variation 1186559 (VCV001186559.10), dbSNP rs1464028021, ClinGen allele CA408740824.

ClinVar aggregate classification (germline): Pathogenic/Likely pathogenic. Review status: criteria provided, multiple submitters, no conflicts (2 of 4 stars). 3 submissions from 3 submitters: Pathogenic (2); Likely pathogenic (1). Last evaluated 2025-11-05.

Conditions:
Inborn genetic diseases. Identifiers: MedGen C0950123, MeSH D030342.

Allele frequency attached by ClinVar (database versions not stated): TOPMed below 0.00001; gnomAD 0.00001.
gnomAD v4.1: 2 of 1,603,854 alleles (0.00012%); highest among the groups gnomAD compares: Non-Finnish European, 0.00017%; no homozygotes.

Submissions (3):

Ambry Genetics
Classification: Pathogenic for Inborn genetic diseases. Last evaluated: 2025-11-05. Review status: criteria provided, single submitter. Criteria: Ambry Variant Classification Scheme 2023. Collection method: clinical testing. Allele origin: germline.
Comment: The c.891G>A (p.W297*) alteration, located in exon 2 (coding exon 2) of the GDF5 gene, consists of a G to A substitution at nucleotide position 891. This changes the amino acid from a tryptophan (W) to a stop codon at amino acid position 297. This variant is not expected to trigger nonsense-mediated mRNA decay, and impacts the last 41% of the protein. However, premature stop codons are typically deleterious in nature, the impacted region is critical for protein function, and a significant portion of the protein is affected (Ambry internal data). for autosomal dominant and autosomal recessive GDF5-related osteochondrodysplasia; however, its clinical significance for autosomal dominant GDF5-related symphalangism is uncertain. Based on data from gnomAD, the A allele has an overall frequency of 0.003% (1/31354) total alleles studied. The highest observed frequency was 0.007% (1/15412) of European (non-Finnish) alleles. Based on the available evidence, this alteration is classified as pathogenic.

Labcorp Genetics (formerly Invitae), Labcorp
Classification: Pathogenic. Last evaluated: 2024-09-06. Review status: criteria provided, single submitter. Criteria: Invitae Variant Classification Sherloc (09022015). Collection method: clinical testing. Allele origin: germline.
Comment: This sequence change creates a premature translational stop signal (p.Trp297*) in the GDF5 gene. While this is not anticipated to result in nonsense mediated decay, it is expected to disrupt the last 205 amino acid(s) of the GDF5 protein. This variant is present in population databases (no rsID available, gnomAD 0.007%). This variant has not been reported in the literature in individuals affected with GDF5-related conditions. ClinVar contains an entry for this variant (Variation ID: 1186559). This variant disrupts a region of the GDF5 protein in which other variant(s) (p.Arg331Profs*122) have been determined to be pathogenic (internal data). This suggests that this is a clinically significant region of the protein, and that variants that disrupt it are likely to be disease-causing. For these reasons, this variant has been classified as Pathogenic.

GeneDx
Classification: Likely pathogenic. Last evaluated: 2023-01-27. Review status: criteria provided, single submitter. Criteria: GeneDx Variant Classification Process June 2021. Collection method: clinical testing. Allele origin: germline. Affected: yes.
Comment: Nonsense variant predicted to result in protein truncation, as the last 205 amino acids are lost, and other loss-of-function variants have been reported downstream in HGMD; Not observed at significant frequency in large population cohorts (gnomAD); Has not been previously published as pathogenic or benign to our knowledge